The following is an entry in ClinVar:

ClinVar aggregate classification (germline): Uncertain significance. Review status: criteria provided, multiple submitters, no conflicts (2 of 4 stars). 3 submissions from 3 submitters: Uncertain significance (3). Last evaluated 2025-02-21.

Conditions:
POLD1-related polyposis and colorectal cancer syndrome (CRCS10). Also called: Colorectal cancer 10; COLORECTAL CANCER, SUSCEPTIBILITY TO, ON CHROMOSOME 19q; Colorectal cancer, susceptibility to, 10. Identifiers: Orphanet 220460, MedGen C2675481, MONDO:0012953, OMIM 612591.
Hereditary cancer-predisposing syndrome. Also called: Tumor predisposition; Hereditary Cancer Syndrome; Hereditary neoplastic syndrome; Neoplastic Syndromes, Hereditary. Identifiers: Orphanet 140162, MedGen C0027672, MeSH D009386, MONDO:0015356.

Submissions (3):

Ambry Genetics
Classification: Uncertain significance for Hereditary cancer-predisposing syndrome. Last evaluated: 2025-02-21. Review status: criteria provided, single submitter. Criteria: Ambry Variant Classification Scheme 2023. Collection method: clinical testing. Allele origin: germline.
Comment: The c.2041delC variant, located in coding exon 16 of the POLD1 gene, results from a deletion of one nucleotide at nucleotide position 2041, causing a translational frameshift with a predicted alternate stop codon (p.L681Sfs*13). This alteration is expected to result in loss of function by premature protein truncation or nonsense-mediated mRNA decay. This alteration is expected to result in protein truncation or nonsense-mediated mRNA decay. However, loss of function of POLD1 has not been established as a mechanism of disease. Based on the available evidence, the clinical significance of this alteration remains unclear.

Blueprint Genetics
Classification: Uncertain significance. Last evaluated: 2024-04-12. Review status: criteria provided, single submitter. Criteria: ACMG Guidelines, 2015. Collection method: clinical testing. Allele origin: germline.

Labcorp Genetics (formerly Invitae), Labcorp
Classification: Uncertain significance for POLD1-related polyposis and colorectal cancer syndrome. Last evaluated: 2023-06-29. Review status: criteria provided, single submitter. Criteria: Invitae Variant Classification Sherloc (09022015). Collection method: clinical testing. Allele origin: germline.
Comment: In summary, the available evidence is currently insufficient to determine the role of this variant in disease. Therefore, it has been classified as a Variant of Uncertain Significance. ClinVar contains an entry for this variant (Variation ID: 864276). This variant has not been reported in the literature in individuals affected with POLD1-related conditions. This variant is not present in population databases (gnomAD no frequency). This sequence change creates a premature translational stop signal (p.Leu681Serfs*13) in the POLD1 gene. Missense variants that disrupt the 3'-5' exonuclease (proof-reading) activity of the POLD1 protein are associated with PPAP (polymerase proofreading–associated polyposis) (PMID: 23263490, 23447401). However, loss-of-function variants that result in an absent or severely disrupted POLD1 protein, and missense variants outside the exonuclease domain, are unlikely to be associated with PPAP.

Literature cited by the submitters: PubMed 23263490 (cited by Labcorp Genetics (formerly Invitae), Labcorp); PubMed 23447401 (cited by Labcorp Genetics (formerly Invitae), Labcorp).

NM_002691.4(POLD1):c.2041del (p.Leu681fs)

Gene: POLD1 (DNA polymerase delta 1, catalytic subunit; plus strand). Cytogenetic location: 19q13.33.
Variant type: Deletion.
Coding change: c.2041del on transcript NM_002691.4 (MANE Select); coding-DNA position 2041, one base deleted (C; older notation c.2041delC).
Protein change: p.Leu681fs; shifts the reading frame from leucine 681.
Molecular consequence: frameshift variant. On other transcripts: non-coding transcript variant (1).
Genome position (GRCh38, 1-based): chr19:50,409,553, C deleted; the last of 5 consecutive C bases (chr19:50,409,549-50,409,553); deleting any one gives the same sequence. VCF-style (leftmost placement, unchanged base first): chr19-50409548-AC-A. GRCh37 (hg19) VCF-style: chr19-50912805-AC-A.
Other names: c.2041delC (NM_002691.2); c.2041del, p.Leu681fs (NM_001256849.1); c.2119del, p.Leu707fs (NM_001308632.1); short protein forms L707fs, L681fs.
Identifiers: ClinVar variation 864276 (VCV000864276.9), dbSNP rs1419624611, ClinGen allele CA883192891.